The following is an entry in ClinVar:

ClinVar aggregate classification (germline): Pathogenic/Likely pathogenic. Review status: criteria provided, multiple submitters, no conflicts (2 of 4 stars). 3 submissions from 3 submitters: Pathogenic (1); Likely pathogenic (2). Last evaluated 2024-09-16.

Conditions:
Hereditary cancer-predisposing syndrome. Also called: Tumor predisposition; Hereditary neoplastic syndrome; Neoplastic Syndromes, Hereditary; Hereditary Cancer Syndrome. Identifiers: Orphanet 140162, MedGen C0027672, MeSH D009386, MONDO:0015356.
Hereditary breast ovarian cancer syndrome. Also called: Hereditary breast and ovarian cancer; Hereditary breast and ovarian cancer syndrome; Hereditary breast and/or ovarian cancer syndrome; Hereditary breast and ovarian cancer syndrome (HBOC); Breast and ovarian cancer; BRCA1- and BRCA2-Associated Hereditary Breast and Ovarian Cancer. Identifiers: Orphanet 145, MedGen C0677776, MeSH D061325, MONDO:0003582. Disease mechanism: loss of function.

Submissions (3):

ARUP Laboratories, Molecular Genetics and Genomics, ARUP Laboratories
Classification: Likely pathogenic. Last evaluated: 2024-09-16. Review status: criteria provided, single submitter. Criteria: ARUP Molecular Germline Variant Investigation Process 2024. Collection method: clinical testing. Allele origin: germline.
Comment: The BRCA2 c.516+4A>G variant (rs2137450725, ClinVar Variation ID: 1491083) is reported in the literature in at least one individual affected with pancreatic adenocarcinoma (Kordes 2021). This variant is absent from the Genome Aggregation Database (v2.1.1), indicating it is not a common polymorphism. This is an intronic variant and computational analyses (Alamut Visual Plus v.1.5.1) predict that this variant may impact splicing by weakening the nearby canonical donor splice site. In vitro functional analysis by Sanger sequencing of cDNA showed skipping of exon 6, leading to a frameshift and premature stop codon (Kordes 2021). Based on available information, this variant is considered to be likely pathogenic. References: Kordes M et al. Discordant Reporting of a Previously Undescribed Pathogenic Germline BRCA2 Variant in Blood and Tumor Tissue in a Patient With Pancreatic Adenocarcinoma. JCO Precis Oncol. 2021 Nov;5:974-980. PMID: 34994625.

Labcorp Genetics (formerly Invitae), Labcorp
Classification: Pathogenic for Hereditary breast ovarian cancer syndrome. Last evaluated: 2024-05-13. Review status: criteria provided, single submitter. Criteria: Invitae Variant Classification Sherloc (09022015). Collection method: clinical testing. Allele origin: germline.
Comment: This sequence change falls in intron 6 of the BRCA2 gene. It does not directly change the encoded amino acid sequence of the BRCA2 protein. RNA analysis indicates that this variant induces altered splicing and may result in an absent or disrupted protein product. This variant is not present in population databases (gnomAD no frequency). This variant has been observed in individual(s) with breast cancer (Invitae). It has also been observed to segregate with disease in related individuals. ClinVar contains an entry for this variant (Variation ID: 1491083). Variants that disrupt the consensus splice site are a relatively common cause of aberrant splicing (PMID: 17576681, 9536098). Studies have shown that this variant results in skipping of exon 6 and introduces a premature termination codon (Invitae). The resulting mRNA is expected to undergo nonsense-mediated decay. For these reasons, this variant has been classified as Pathogenic.

Ambry Genetics
Classification: Likely pathogenic for Hereditary cancer-predisposing syndrome. Last evaluated: 2022-03-17. Review status: criteria provided, single submitter. Criteria: Ambry Variant Classification Scheme 2023. Collection method: clinical testing. Allele origin: germline.
Comment: The c.516+4A>G intronic variant results from an A to G substitution 4 nucleotides after coding exon 5 in the BRCA2 gene. This nucleotide position is well conserved in available vertebrate species. In silico splice site analysis for this alteration is inconclusive. RNA studies have demonstrated that this alteration results in abnormal splicing in the set of samples tested (Ambry internal data). This variant is considered to be rare based on population cohorts in the Genome Aggregation Database (gnomAD). Based on the majority of available evidence to date, this variant is likely to be pathogenic.

Literature cited by the submitters: PubMed 17576681 (cited by Labcorp Genetics (formerly Invitae), Labcorp); PubMed 9536098 (cited by Labcorp Genetics (formerly Invitae), Labcorp).

NM_000059.4(BRCA2):c.516+4A>G

Gene: BRCA2 (BRCA2 DNA repair associated; plus strand). Cytogenetic location: 13q13.1.
Variant type: single nucleotide variant.
Coding change: c.516+4A>G on transcript NM_000059.4 (MANE Select); 4 bases into the intron after coding-DNA position 516, A replaced by G.
Molecular consequence: intron variant.
Genome position (GRCh38, 1-based): chr13:32,326,286, A>G. VCF-style: chr13-32326286-A-G. GRCh37 (hg19) VCF-style: chr13-32900423-A-G.
Identifiers: ClinVar variation 1491083 (VCV001491083.9), dbSNP rs2137450725, ClinGen allele CA2573149269.